The following is an entry in ClinVar:

ClinVar aggregate classification (germline): Uncertain significance. Review status: criteria provided, multiple submitters, no conflicts (2 of 4 stars). 2 submissions from 2 submitters: Uncertain significance (2). Last evaluated 2025-07-02.

Conditions:
Inborn genetic diseases. Identifiers: MedGen C0950123, MeSH D030342.
Immunodeficiency 36 with lymphoproliferation. Also called: Immunodeficiency 36; Activated PI3K Delta Syndrome Type 2 (APDS2); ACTIVATED PI3K-DELTA SYNDROME 2. Identifiers: Orphanet 397596, Orphanet 693681, MedGen C4014934, MONDO:0014453, OMIM 616005.
Agammaglobulinemia 7, autosomal recessive (AGM7). Also called: AGAMMAGLOBULINEMIA, AUTOSOMAL RECESSIVE, DUE TO PIK3R1 DEFECT. Identifiers: MedGen C3554689, MONDO:0014083, OMIM 615214.
SHORT syndrome. Also called: SHORT STATURE, HYPEREXTENSIBILITY, HERNIA, OCULAR DEPRESSION, RIEGER ANOMALY, AND TEETHING DELAY; LIPODYSTROPHY, PARTIAL, WITH RIEGER ANOMALY AND SHORT STATURE; PIK3R1-Related SHORT Syndrome. Identifiers: Orphanet 3163, MedGen C0878684, MONDO:0010026, OMIM 269880.

Allele frequency attached by ClinVar (database versions not stated): TOPMed below 0.00001.
gnomAD v4.1: 1 of 1,614,064 alleles (0.000062%); no homozygotes.

Submissions (2):

Labcorp Genetics (formerly Invitae), Labcorp
Classification: Uncertain significance for SHORT syndrome; Immunodeficiency 36 with lymphoproliferation; Agammaglobulinemia 7, autosomal recessive. Last evaluated: 2025-07-02. Review status: criteria provided, single submitter. Criteria: Invitae Variant Classification Sherloc (09022015). Collection method: clinical testing. Allele origin: germline.
Comment: This sequence change replaces isoleucine, which is neutral and non-polar, with threonine, which is neutral and polar, at codon 53 of the PIK3R1 protein (p.Ile53Thr). This variant is not present in population databases (gnomAD no frequency). This variant has not been reported in the literature in individuals affected with PIK3R1-related conditions. ClinVar contains an entry for this variant (Variation ID: 3212981). An algorithm developed to predict the effect of missense changes on protein structure and function (PolyPhen-2) suggests that this variant is likely to be disruptive. In summary, the available evidence is currently insufficient to determine the role of this variant in disease. Therefore, it has been classified as a Variant of Uncertain Significance.

Ambry Genetics
Classification: Uncertain significance for Inborn genetic diseases. Last evaluated: 2024-03-07. Review status: criteria provided, single submitter. Criteria: Ambry Variant Classification Scheme 2023. Collection method: clinical testing. Allele origin: germline.

NM_181523.3(PIK3R1):c.158T>C (p.Ile53Thr)

Gene: PIK3R1 (phosphoinositide-3-kinase regulatory subunit 1; plus strand). Cytogenetic location: 5q13.1.
Variant type: single nucleotide variant.
Coding change: c.158T>C on transcript NM_181523.3 (MANE Select); coding-DNA position 158, T replaced by C.
Protein change: p.Ile53Thr; replaces isoleucine 53 with threonine.
Molecular consequence: missense variant.
Genome position (GRCh38, 1-based): chr5:68,226,833, T>C. VCF-style: chr5-68226833-T-C. GRCh37 (hg19) VCF-style: chr5-67522661-T-C.
Other names: short protein forms I53T.
Identifiers: ClinVar variation 3212981 (VCV003212981.2), dbSNP rs1561258129, ClinGen allele CA359979702.